The following is an entry in ClinVar:

NC_000009.12:g.128525190AG[1]

Gene: GLE1 (GLE1 RNA export mediator; plus strand). Cytogenetic location: 9q34.11.
Variant type: Microsatellite.
Genome position: GRCh38 VCF-style: chr9-128525189-CAG-C. GRCh37 (hg19) VCF-style: chr9-131287468-CAG-C.
Identifiers: ClinVar variation 2014590 (VCV002014590.5), dbSNP rs2540601198, ClinGen allele CA2580616323.

ClinVar aggregate classification (germline): Pathogenic (1 of 4 stars; one submission).

Submission:

Labcorp Genetics (formerly Invitae), Labcorp
Classification: Pathogenic. Last evaluated: 2022-07-06. Review status: criteria provided, single submitter. Criteria: Invitae Variant Classification Sherloc (09022015). Collection method: clinical testing. Allele origin: germline.
Comment: For these reasons, this variant has been classified as Pathogenic. Algorithms developed to predict the effect of sequence changes on RNA splicing suggest that this variant may disrupt the consensus splice site. This sequence change creates a premature translational stop signal (p.Ser300Glnfs*10) in the GLE1 gene. It is expected to result in an absent or disrupted protein product. Loss-of-function variants in GLE1 are known to be pathogenic (PMID: 18204449, 24243016, 27684565). This variant is not present in population databases (gnomAD no frequency). This variant has not been reported in the literature in individuals affected with GLE1-related conditions.

Literature cited by the submitters: PubMed 18204449; PubMed 24243016; PubMed 27684565.